The following is an entry in ClinVar:

ClinVar aggregate classification (germline): Uncertain significance (1 of 4 stars; one submission).

Conditions:
Telangiectasia, hereditary hemorrhagic, type 5 (HHT5). Identifiers: Orphanet 774, MedGen C3809710, MONDO:0014217, OMIM 615506.

Submission:

Labcorp Genetics (formerly Invitae), Labcorp
Classification: Uncertain significance for Telangiectasia, hereditary hemorrhagic, type 5. Last evaluated: 2023-08-17. Review status: criteria provided, single submitter. Criteria: Invitae Variant Classification Sherloc (09022015). Collection method: clinical testing. Allele origin: germline.
Comment: In summary, the available evidence is currently insufficient to determine the role of this variant in disease. Therefore, it has been classified as a Variant of Uncertain Significance. This sequence change falls in intron 1 of the GDF2 gene. It does not directly change the encoded amino acid sequence of the GDF2 protein. This variant is not present in population databases (gnomAD no frequency). Algorithms developed to predict the effect of sequence changes on RNA splicing suggest that this variant may disrupt the consensus splice site. This variant has not been reported in the literature in individuals affected with GDF2-related conditions.

NM_016204.4(GDF2):c.347-5T>G

Gene: GDF2 (growth differentiation factor 2; plus strand). Cytogenetic location: 10q11.22.
Variant type: single nucleotide variant.
Coding change: c.347-5T>G on transcript NM_016204.4 (MANE Select); 5 bases into the intron before coding-DNA position 347, T replaced by G.
Molecular consequence: intron variant.
Genome position (GRCh38, 1-based): chr10:47,324,836, T>G. VCF-style: chr10-47324836-T-G. GRCh37 (hg19) VCF-style: chr10-48414526-A-C.
Identifiers: ClinVar variation 2790956 (VCV002790956.3), dbSNP rs2549019395, ClinGen allele CA2574540195.